The following is an entry in ClinVar:

NM_019892.6(INPP5E):c.1159+7_1159+8insGGTGGGCGTGGCTGGAGGGGTGGGCGCGGCTGGAGGGGTGGGCGCGGCTGGAGG

Gene: INPP5E (inositol polyphosphate-5-phosphatase E; minus strand). Cytogenetic location: 9q34.3.
Variant type: Microsatellite.
Coding change: c.1159+7_1159+8insGGTGGGCGTGGCTGGAGGGGTGGGCGCGGCTGGAGGGGTGGGCGCGGCTGGAGG on transcript NM_019892.6 (MANE Select); bases 7 to 8 of the intron after coding-DNA position 1159, GGTGGGCGTGGCTGGAGGGGTGGGCGCGGCTGGAGGGGTGGGCGCGGCTGGAGG inserted.
Molecular consequence: splice donor variant.
Genome position: GRCh38: chr9:136,433,148-136,433,155. GRCh37 (hg19): chr9:139,327,600-139,327,607.
Other names: p.Ser386_Glu387insGlyGlyArgGlyTrpArgGlyGlyArgGlyTrpArgGlyGlyArgGlyTrpArg; c.1159+7_1159+8insGGTGGGCGTGGCTGGAGGGGTGGGCGCGGCTGGAGGGGTGGGCGCGGCTGGAGG (NM_001318502.2); c.1159+7_1159+8insTGGCTGGAGGGGTGGGCGCGGCTGGAGGGGTGGGCGCGGCTGGAGGGGTGGGCG (NM_019892.6).
Identifiers: ClinVar variation 4683468 (VCV004683468.2).

ClinVar aggregate classification (germline): Likely benign. Review status: criteria provided, multiple submitters, no conflicts (2 of 4 stars). 2 submissions from 2 submitters: Likely benign (2). Last evaluated 2025-04-23.

Submissions (2):

Mayo Clinic Laboratories, Mayo Clinic
Classification: Likely benign. Last evaluated: 2025-04-23. Review status: criteria provided, single submitter. Criteria: ACMG Guidelines, 2015. Collection method: clinical testing. Allele origin: germline. Observed: 1 variant allele.
Comment: BP4, BP7

Blueprint Genetics
Classification: Likely benign. Last evaluated: 2024-08-16. Review status: criteria provided, single submitter. Criteria: ACMG Guidelines, 2015. Collection method: clinical testing. Allele origin: germline.